The following is an entry in ClinVar:

ClinVar aggregate classification (germline): Uncertain significance (1 of 4 stars; one submission).

Conditions:
Hereditary cancer-predisposing syndrome. Also called: Neoplastic Syndromes, Hereditary; Tumor predisposition; Hereditary neoplastic syndrome; Hereditary Cancer Syndrome. Identifiers: Orphanet 140162, MedGen C0027672, MeSH D009386, MONDO:0015356.

Allele frequency attached by ClinVar (database versions not stated): gnomAD exomes below 0.00001.
gnomAD v4.1: 1 of 1,552,950 alleles (0.000064%); highest among the groups gnomAD compares: Non-Finnish European, 0.000089%; no homozygotes.

Submission:

Ambry Genetics
Classification: Uncertain significance for Hereditary cancer-predisposing syndrome. Last evaluated: 2021-10-05. Review status: criteria provided, single submitter. Criteria: Ambry Variant Classification Scheme 2023. Collection method: clinical testing. Allele origin: germline.
Comment: The p.I276V variant (also known as c.826A>G), located in coding exon 6 of the CHEK2 gene, results from an A to G substitution at nucleotide position 826. The isoleucine at codon 276 is replaced by valine, an amino acid with highly similar properties. This amino acid position is highly conserved in available vertebrate species. In addition, the in silico prediction for this alteration is inconclusive. Since supporting evidence is limited at this time, the clinical significance of this alteration remains unclear.

NM_007194.4(CHEK2):c.826A>G (p.Ile276Val)

Gene: CHEK2 (checkpoint kinase 2; minus strand). Cytogenetic location: 22q12.1.
Variant type: single nucleotide variant.
Coding change: c.826A>G on transcript NM_007194.4 (MANE Select); coding-DNA position 826, A replaced by G.
Protein change: p.Ile276Val; replaces isoleucine 276 with valine.
Molecular consequence: missense variant.
Genome position (GRCh38, 1-based): chr22:28,710,026, T>C on the plus strand (A>G on the coding strand, the complement: CHEK2 is on the minus strand). VCF-style: chr22-28710026-T-C. GRCh37 (hg19) VCF-style: chr22-29106014-T-C.
Other names: c.955A>G, p.Ile319Val (NM_001005735.3); c.163A>G, p.Ile55Val (NM_001257387.3); c.625A>G, p.Ile209Val (NM_001349956.3); c.826A>G, p.Ile276Val (NM_145862.3); short protein forms I55V, I209V, I276V, I319V.
Identifiers: ClinVar variation 827544 (VCV000827544.4), dbSNP rs1601777507, ClinGen allele CA411102368.